The following is an entry in ClinVar:

NM_031935.3(HMCN1):c.11681A>C (p.Gln3894Pro)

Gene: HMCN1 (hemicentin 1; plus strand). Cytogenetic location: 1q31.1.
Variant type: single nucleotide variant.
Coding change: c.11681A>C on transcript NM_031935.3 (MANE Select); coding-DNA position 11681, A replaced by C.
Protein change: p.Gln3894Pro; replaces glutamine 3894 with proline.
Molecular consequence: missense variant.
Genome position (GRCh38, 1-based): chr1:186,117,113, A>C. VCF-style: chr1-186117113-A-C. GRCh37 (hg19) VCF-style: chr1-186086245-A-C.
Other names: short protein forms Q3894P.
Identifiers: ClinVar variation 4731523 (VCV004731523.1).

ClinVar aggregate classification (germline): Uncertain significance (1 of 4 stars; one submission).

Submission:

Labcorp Genetics (formerly Invitae), Labcorp
Classification: Uncertain significance. Last evaluated: 2025-11-23. Review status: criteria provided, single submitter. Criteria: Invitae Variant Classification Sherloc (09022015). Collection method: clinical testing. Allele origin: germline.
Comment: This sequence change replaces glutamine, which is neutral and polar, with proline, which is neutral and non-polar, at codon 3894 of the HMCN1 protein (p.Gln3894Pro). This variant is not present in population databases (gnomAD no frequency). This variant has not been reported in the literature in individuals affected with HMCN1-related conditions. An algorithm developed to predict the effect of missense changes on protein structure and function (PolyPhen-2) suggests that this variant is likely to be disruptive. In summary, the available evidence is currently insufficient to determine the role of this variant in disease. Therefore, it has been classified as a Variant of Uncertain Significance.